The following is an entry in ClinVar:

NM_006236.3(POU3F3):c.604G>T (p.Ala202Ser)

Gene: POU3F3 (POU class 3 homeobox 3; plus strand). Cytogenetic location: 2q12.1.
Variant type: single nucleotide variant.
Coding change: c.604G>T on transcript NM_006236.3 (MANE Select); coding-DNA position 604, G replaced by T.
Protein change: p.Ala202Ser; replaces alanine 202 with serine.
Molecular consequence: missense variant.
Genome position (GRCh38, 1-based): chr2:104,856,114, G>T. VCF-style: chr2-104856114-G-T. GRCh37 (hg19) VCF-style: chr2-105472572-G-T.
Other names: c.604G>T, p.Ala202Ser (NM_001433704.1); short protein forms A202S.
Identifiers: ClinVar variation 4628230 (VCV004628230.1).

ClinVar aggregate classification (germline): Uncertain significance (1 of 4 stars; one submission).

Conditions:
Inborn genetic diseases. Identifiers: MedGen C0950123, MeSH D030342.

gnomAD v4.1: 20 of 1,124,746 alleles (0.0018%); highest among the groups gnomAD compares: Non-Finnish European, 0.0022%; no homozygotes.

Submission:

Ambry Genetics
Classification: Uncertain significance for Inborn genetic diseases. Last evaluated: 2025-09-25. Review status: criteria provided, single submitter. Criteria: Ambry Variant Classification Scheme 2023. Collection method: clinical testing. Allele origin: germline.
Comment: The c.604G>T (p.A202S) alteration is located in exon 1 (coding exon 1) of the POU3F3 gene. This alteration results from a G to T substitution at nucleotide position 604, causing the alanine (A) at amino acid position 202 to be replaced by a serine (S). Based on data from gnomAD, the T allele has an overall frequency of 0.004% (1/24274) total alleles studied. The highest observed frequency was 0.008% (1/13006) of European (non-Finnish) alleles. Based on insufficient or conflicting evidence, the clinical significance of this alteration remains unclear.